The following is an entry in ClinVar:

ClinVar aggregate classification (germline): Uncertain significance (1 of 4 stars; one submission).

Submission:

Labcorp Genetics (formerly Invitae), Labcorp
Classification: Uncertain significance. Last evaluated: 2025-04-22. Review status: criteria provided, single submitter. Criteria: Invitae Variant Classification Sherloc (09022015). Collection method: clinical testing. Allele origin: germline.
Comment: This sequence change replaces alanine, which is neutral and non-polar, with glutamic acid, which is acidic and polar, at codon 1498 of the POLE protein (p.Ala1498Glu). This variant is not present in population databases (gnomAD no frequency). This variant has not been reported in the literature in individuals affected with POLE-related conditions. Invitae Evidence Modeling of protein sequence and biophysical properties (such as structural, functional, and spatial information, amino acid conservation, physicochemical variation, residue mobility, and thermodynamic stability) indicates that this missense variant is not expected to disrupt POLE protein function with a negative predictive value of 80%. In summary, the available evidence is currently insufficient to determine the role of this variant in disease. Therefore, it has been classified as a Variant of Uncertain Significance.

NM_006231.4(POLE):c.4493C>A (p.Ala1498Glu)

Gene: POLE (DNA polymerase epsilon, catalytic subunit; minus strand). Cytogenetic location: 12q24.33.
Variant type: single nucleotide variant.
Coding change: c.4493C>A on transcript NM_006231.4 (MANE Select); coding-DNA position 4493, C replaced by A.
Protein change: p.Ala1498Glu; replaces alanine 1498 with glutamic acid.
Molecular consequence: missense variant.
Genome position (GRCh38, 1-based): chr12:132,643,282, G>T on the plus strand (C>A on the coding strand, the complement: POLE is on the minus strand). VCF-style: chr12-132643282-G-T. GRCh37 (hg19) VCF-style: chr12-133219868-G-T.
Other names: short protein forms A1498E.
Identifiers: ClinVar variation 4740248 (VCV004740248.1).
Genomic context (GRCh38, chr12:132,643,282, plus strand): 5'-ACAGTGTCCAGCACAAAGACGGATGCCCTGCGCTGTGAGGGGATGAAGATCCCGAAGAGC[G>T]CTTTGTGGGCCTGTGCGTGGTGGTACAGGTAGATATGGCGGATACTCCCTGGAGAAGGAA-3'
Protein context (NP_006222.2, residues 1488-1508): YLYHHAQAHK[Ala1498Glu]LFGIFIPSQR